The following is an entry in ClinVar:

ClinVar aggregate classification (germline): Pathogenic/Likely pathogenic. Review status: criteria provided, multiple submitters, no conflicts (2 of 4 stars). 4 submissions from 4 submitters: Pathogenic (2); Likely pathogenic (2). Last evaluated 2026-02-17.

Conditions:
Dentin dysplasia type II (DTDP2). Also called: ANOMALOUS DYSPLASIA OF DENTIN; DENTIN DYSPLASIA, SHIELDS TYPE II; PULPAL DYSPLASIA. Identifiers: Orphanet 99791, MedGen C0399380, MONDO:0007437, OMIM 125420.
DSPP-related disorders.
Dentin dysplasia, Type II; DTDP2.
Inborn genetic diseases. Identifiers: MedGen C0950123, MeSH D030342.

Submissions (4):

MVZ Medizinische Genetik Mainz
Classification: Likely pathogenic for Dentin dysplasia type II. Last evaluated: 2026-02-17. Review status: criteria provided, single submitter. Criteria: UK Practice Guidelines For Variant Classification V4 01 2020. Collection method: clinical testing. Allele origin: germline. Inheritance: Autosomal dominant inheritance. Affected: yes. Observed: 1 variant allele.
Comment: ACMG Criteria: PVS1_STR,PS4,PM2_SUP

Reference Center For Rare Oral And Dental Diseases, CRMR O-Rares, Hôpitaux Universitaires De Strasbourg
Classification: Pathogenic for Dentin dysplasia, type II; DTDP2. Last evaluated: 2025-09-03. Review status: criteria provided, single submitter. Criteria: ACMG Guidelines, 2015. Collection method: clinical testing. Allele origin: maternal. Inheritance: Autosomal dominant inheritance. Affected: yes. Observed: 2 variant alleles.
Comment: PVS1, PP4, PM2, PP5 (5)

Blueprint Genetics
Classification: Pathogenic for DSPP-related disorders. Last evaluated: 2024-10-24. Review status: criteria provided, single submitter. Criteria: ACMG Guidelines, 2015. Collection method: clinical testing. Allele origin: germline. Affected: yes. Observed: 1 variant allele.

Ambry Genetics
Classification: Likely pathogenic for Inborn genetic diseases. Last evaluated: 2024-05-24. Review status: criteria provided, single submitter. Criteria: Ambry Variant Classification Scheme 2023. Collection method: clinical testing. Allele origin: germline.
Comment: The c.1918_1921delTCAG (p.S640Tfs*673) alteration, located in exon 5 (coding exon 4) of the DSPP gene, consists of a deletion of 4 nucleotides from position 1918 to 1921, causing a translational frameshift with a predicted alternate stop codon after 673 amino acids. This alteration occurs at the 3' terminus of the DSPP gene, is not expected to trigger nonsense-mediated mRNA decay and results in the elongation of the protein by 12 amino acids. This frameshift impacts the last 50.8% of the native protein. However, frameshifts are typically deleterious in nature, the impacted region is critical for protein function, and a significant portion of the protein is affected (Ambry internal data). This variant was not reported in population-based cohorts in the Genome Aggregation Database (gnomAD). This variant has been observed in multiple individuals with teeth discoloration, attrition, bulbous crowns, obliterated pulps, obliterated root canals, and/or other clinical features consistent with DSPP-related dentin defects (McKnight, 2008; Nieminen, 2011; Simmer, 2022). In some cases, other family members were similarly affected. Based on the available evidence, this alteration is classified as likely pathogenic.

Literature cited by the submitters: PubMed 18521831 (cited by Reference Center For Rare Oral And Dental Diseases, CRMR O-Rares, Hôpitaux Universitaires De Strasbourg and Ambry Genetics); PubMed 20949630 (cited by Ambry Genetics); PubMed 35627243 (cited by Ambry Genetics).

NM_014208.3(DSPP):c.1918_1921del (p.Ser640fs)

Genes: DMP1-AS1 (DMP1 and DSPP antisense RNA 1; minus strand), DSPP (dentin sialophosphoprotein; plus strand). Cytogenetic location: 4q22.1.
Variant type: Deletion.
Coding change: c.1918_1921del on transcript NM_014208.3 (MANE Select); coding-DNA positions 1918 to 1921, 4 bases deleted (TCAG; older notation c.1918_1921delTCAG).
Protein change: p.Ser640fs; shifts the reading frame from serine 640.
Molecular consequence: frameshift variant.
Genome position (GRCh38, 1-based): chr4:87,614,580-87,614,583, TCAG deleted; deleting any 4 consecutive bases within chr4:87,614,578-87,614,583 gives the same sequence; the c. name uses the placement nearest the transcript's 3' end. VCF-style (leftmost placement, unchanged base first): chr4-87614577-AAGTC-A. GRCh37 (hg19) VCF-style: chr4-88535729-AAGTC-A.
Other names: c.1918_1921delTCAG (NM_014208.3); short protein forms S640fs.
Identifiers: ClinVar variation 3273917 (VCV003273917.4).